The following is an entry in ClinVar:

NM_001042492.3(NF1):c.1244A>G (p.His415Arg)

Gene: NF1 (neurofibromin 1; plus strand). Cytogenetic location: 17q11.2.
Variant type: single nucleotide variant.
Coding change: c.1244A>G on transcript NM_001042492.3 (MANE Select); coding-DNA position 1244, A replaced by G.
Protein change: p.His415Arg; replaces histidine 415 with arginine.
Molecular consequence: missense variant.
Genome position (GRCh38, 1-based): chr17:31,201,469, A>G. VCF-style: chr17-31201469-A-G. GRCh37 (hg19) VCF-style: chr17-29528487-A-G.
Other names: c.1244A>G, p.His415Arg (NM_000267.4, NM_001128147.3); short protein forms H415R.
Identifiers: ClinVar variation 485935 (VCV000485935.10), dbSNP rs1555611097, ClinGen allele CA398997703.
Genomic context (GRCh38, chr17:31,201,469, plus strand): 5'-AGATCTGCCTGGCTCAGAATTCACCTTCTACATTTCACTATGTGCTGGTAAATTCACTCC[A>G]TCGAATCATCACCAATGTAAGTCCAAAAGGTATTGCTAAATTACTAAAAAAATTTTTTTC-3'
Protein context (NP_001035957.1, residues 405-425): TFHYVLVNSL[His415Arg]RIITNSALDW

ClinVar aggregate classification (germline): Uncertain significance. Review status: criteria provided, multiple submitters, no conflicts (2 of 4 stars). 4 submissions from 4 submitters: Uncertain significance (4). Last evaluated 2026-01-24.

Conditions:
Hereditary cancer-predisposing syndrome. Also called: Tumor predisposition; Neoplastic Syndromes, Hereditary; Hereditary Cancer Syndrome; Hereditary neoplastic syndrome. Identifiers: Orphanet 140162, MedGen C0027672, MeSH D009386, MONDO:0015356.
Neurofibromatosis, type 1 (NF1). Also called: NEUROFIBROMATOSIS, TYPE I, SOMATIC; VON RECKLINGHAUSEN DISEASE; Neurofibromatosis, type I; Peripheral type neurofibromatosis. Identifiers: Orphanet 636, MedGen C0027831, MONDO:0018975, OMIM 162200. Disease mechanism: loss of function.

Submissions (4):

Labcorp Genetics (formerly Invitae), Labcorp
Classification: Uncertain significance for Neurofibromatosis, type 1. Last evaluated: 2026-01-24. Review status: criteria provided, single submitter. Criteria: Invitae Variant Classification Sherloc (09022015). Collection method: clinical testing. Allele origin: germline.
Comment: This sequence change replaces histidine, which is basic and polar, with arginine, which is basic and polar, at codon 415 of the NF1 protein (p.His415Arg). This variant is not present in population databases (gnomAD no frequency). This variant has not been reported in the literature in individuals affected with NF1-related conditions. ClinVar contains an entry for this variant (Variation ID: 485935). Invitae Evidence Modeling of protein sequence and biophysical properties (such as structural, functional, and spatial information, amino acid conservation, physicochemical variation, residue mobility, and thermodynamic stability) has been performed for this missense variant. However, the output from this modeling did not meet the statistical confidence thresholds required to predict the impact of this variant on NF1 protein function. In summary, the available evidence is currently insufficient to determine the role of this variant in disease. Therefore, it has been classified as a Variant of Uncertain Significance.

Genome-Nilou Lab
Classification: Uncertain significance for Neurofibromatosis, type 1. Last evaluated: 2022-03-15. Review status: criteria provided, single submitter. Criteria: ACMG Guidelines, 2015. Collection method: clinical testing. Allele origin: germline. Affected: no.

Center for Human Genetics, Inc
Classification: Uncertain significance for Neurofibromatosis, type 1. Last evaluated: 2016-11-01. Review status: criteria provided, single submitter. Criteria: ACMG Guidelines, 2015. Collection method: clinical testing. Allele origin: germline. Affected: yes.

Ambry Genetics
Classification: Uncertain significance for Hereditary cancer-predisposing syndrome. Last evaluated: 2016-03-07. Review status: criteria provided, single submitter. Criteria: Ambry Autosomal Dominant and X-Linked criteria (10/2015). Collection method: clinical testing. Allele origin: germline. Observed: 1 variant allele.
Comment: The p.H415R variant (also known as c.1244A>G), located in coding exon 11 of the NF1 gene, results from an A to G substitution at nucleotide position 1244. The histidine at codon 415 is replaced by arginine, an amino acid with highly similar properties. This variant was not reported in population based cohorts in the following databases: Database of Single Nucleotide Polymorphisms (dbSNP), NHLBI Exome Sequencing Project (ESP), and 1000 Genomes Project. In the ESP, this variant was not observed in 6497 samples (12994 alleles) with coverage at this position. To date, this alteration has been detected with an allele frequency of approximately 0.001% (greater than 110000alleles tested) in our clinical cohort.This amino acid position is highly conserved in available vertebrate species. In addition, the in silico prediction for this alteration is inconclusive.Since supporting evidence is limited at this time, the clinical significance of this alterationremains unclear.